The following is an entry in ClinVar:

NM_003764.4(STX11):c.*882T>C

Gene: STX11 (syntaxin 11; plus strand). Cytogenetic location: 6q24.2.
Variant type: single nucleotide variant.
Coding change: c.*882T>C on transcript NM_003764.4 (MANE Select); 882 bases downstream of the stop codon, T replaced by C.
Molecular consequence: 3 prime UTR variant.
Genome position (GRCh38, 1-based): chr6:144,188,373, T>C. VCF-style: chr6-144188373-T-C. GRCh37 (hg19) VCF-style: chr6-144509510-T-C.
Other names: c.*882T>C (LRG_113t1).
Identifiers: ClinVar variation 355611 (VCV000355611.5), dbSNP rs17073503, ClinGen allele CA10621559.
Genomic context (GRCh38, chr6:144,188,373, plus strand): 5'-ATCAATTGGTTTAACTTCTTTTATGTAAGTATGGTATATAAATTTCAAGACGAACACTTT[T>C]CTGGCTCTTGGTATTGGTTTGCTTGTTTTGAGTTTGTTTCACTCCAGTTTGCCCCTTCCT-3'

ClinVar aggregate classification (germline): Benign (1 of 4 stars; one submission).

Conditions:
Familial hemophagocytic lymphohistiocytosis 4 (FHL4). Also called: STX11-Related Familial Hemophagocytic Lymphohistiocytosis (STX11-fHLH). Identifiers: Orphanet 540, MedGen C1863728, MONDO:0011336, OMIM 603552.

Allele frequency attached by ClinVar (database versions not stated): gnomAD exomes 0.09321; gnomAD 0.11734 and 0.11783; TOPMed 0.12230; 1000 Genomes Project 30x 0.16240; 1000 Genomes Project 0.16294.
gnomAD v4.1: 24,815 of 228,860 alleles (11%); highest among the groups gnomAD compares: East Asian, 28%; 2,329 homozygotes.

Submission:

Illumina Laboratory Services, Illumina
Classification: Benign for Familial hemophagocytic lymphohistiocytosis 4. Last evaluated: 2018-01-13. Review status: criteria provided, single submitter. Criteria: ICSL Variant Classification Criteria 13 December 2019. Collection method: clinical testing. Allele origin: germline.
Comment: This variant was observed in the ICSL laboratory as part of a predisposition screen in an ostensibly healthy population. It had not been previously curated by ICSL or reported in the Human Gene Mutation Database (HGMD: prior to June 1st, 2018), and was therefore a candidate for classification through an automated scoring system. Utilizing variant allele frequency, disease prevalence and penetrance estimates, and inheritance mode, an automated score was calculated to assess if this variant is too frequent to cause the disease. Based on the score and internal cut-off values, a variant classified as benign is not then subjected to further curation. The score for this variant resulted in a classification of benign for this disease.